The following is an entry in ClinVar:

ClinVar aggregate classification (germline): Pathogenic (1 of 4 stars; one submission).

Conditions:
Hereditary spastic paraplegia 46. Also called: Spastic paraplegia 46, autosomal recessive. Identifiers: Orphanet 320391, MedGen C2828721, MONDO:0013737, OMIM 614409.

Submission:

3billion
Classification: Pathogenic for Hereditary spastic paraplegia 46. Last evaluated: 2023-06-29. Review status: criteria provided, single submitter. Criteria: ACMG Guidelines, 2015. Collection method: clinical testing. Allele origin: germline. Affected: yes.
Comment: The variant is not observed in the gnomAD v2.1.1 dataset. Predicted Consequence/Location: Frameshift: predicted to result in a loss or disruption of normal protein function through nonsense-mediated decay (NMD) or protein truncation. Multiple pathogenic variants are reported downstream of the variant. Therefore, this variant is classified as Pathogenic according to the recommendation of ACMG/AMP guideline.

NM_020944.3(GBA2):c.2025del (p.Tyr676fs)

Gene: GBA2 (glucosylceramidase beta 2; minus strand). Cytogenetic location: 9p13.3.
Variant type: Deletion.
Coding change: c.2025del on transcript NM_020944.3 (MANE Select); coding-DNA position 2025, one base deleted (C; older notation c.2025delC).
Protein change: p.Tyr676fs; shifts the reading frame from tyrosine 676.
Molecular consequence: frameshift variant.
Genome position (GRCh38, 1-based): chr9:35,738,555, G deleted on the plus strand (C on the coding strand, the reverse complement: GBA2 is on the minus strand); the first of 2 consecutive G bases (chr9:35,738,555-35,738,556); deleting either gives the same sequence. VCF-style (leftmost placement, unchanged base first): chr9-35738554-AG-A. GRCh37 (hg19) VCF-style: chr9-35738551-AG-A.
Other names: c.2025del, p.Tyr676fs (NM_001330660.2); short protein forms Y676fs.
Identifiers: ClinVar variation 3775633 (VCV003775633.1).
Genomic context (GRCh38, chr9:35,738,554, plus strand): 5'-CTCAGGCCTCCTGGAAACCCCTACCCGCTAACCTGGGGCCTGTGGTCACCCATCCATCAT[AG>A]GTCTGGTCTGCATAGCCTCCATTTTCAATGAGTCCATCATGGTCCTTGTCAAACTTCATT-3'